The following is an entry in ClinVar:

NM_002769.5(PRSS1):c.31G>A (p.Ala11Thr)

Genes: PRSS1 (serine protease 1; plus strand), TRB (T cell receptor beta locus; plus strand). Cytogenetic location: 7q34.
Variant type: single nucleotide variant.
Coding change: c.31G>A on transcript NM_002769.5 (MANE Select); coding-DNA position 31, G replaced by A.
Protein change: p.Ala11Thr; replaces alanine 11 with threonine.
Molecular consequence: missense variant.
Genome position (GRCh38, 1-based): chr7:142,749,515, G>A. VCF-style: chr7-142749515-G-A. GRCh37 (hg19) VCF-style: chr7-142457366-G-A.
Other names: short protein forms A11T.
Identifiers: ClinVar variation 528772 (VCV000528772.8), dbSNP rs1276830284, ClinGen allele CA369606992.
Genomic context (GRCh38, chr7:142,749,515, plus strand): 5'-TCCACCACCAGTCAGGCACACTCTACCACCATGAATCCACTCCTGATCCTTACCTTTGTG[G>A]CAGCTGCTCGTGAGTATCATGCCCTGCCTCAGGCCCCAACCACCCCCCCGTTCCTGGCCG-3'
Protein context (NP_002760.1, residues 1-21): MNPLLILTFV[Ala11Thr]AALAAPFDDD

ClinVar aggregate classification (germline): Uncertain significance (1 of 4 stars; one submission).

Conditions:
Hereditary pancreatitis (PCTT). Also called: Hereditary chronic pancreatitis; PRSS1-Related Hereditary Pancreatitis. Identifiers: Orphanet 676, MedGen C0238339, MONDO:0008185, OMIM 167800.

Allele frequency attached by ClinVar (database versions not stated): gnomAD exomes below 0.00001 and 0.00001; gnomAD 0.00003.
gnomAD v4.1: 3 of 1,614,080 alleles (0.00019%); highest among the groups gnomAD compares: South Asian, 0.0022%; no homozygotes.

Submission:

Labcorp Genetics (formerly Invitae), Labcorp
Classification: Uncertain significance for Hereditary pancreatitis. Last evaluated: 2022-01-05. Review status: criteria provided, single submitter. Criteria: Invitae Variant Classification Sherloc (09022015). Collection method: clinical testing. Allele origin: germline.
Comment: The frequency data for this variant in the population databases is considered unreliable, as metrics indicate poor data quality at this position in the gnomAD database. This sequence change replaces alanine, which is neutral and non-polar, with threonine, which is neutral and polar, at codon 11 of the PRSS1 protein (p.Ala11Thr). This variant has not been reported in the literature in individuals affected with PRSS1-related conditions. ClinVar contains an entry for this variant (Variation ID: 528772). Algorithms developed to predict the effect of missense changes on protein structure and function are either unavailable or do not agree on the potential impact of this missense change (SIFT: "Deleterious"; PolyPhen-2: "Benign"; Align-GVGD: "Class C0"). In summary, the available evidence is currently insufficient to determine the role of this variant in disease. Therefore, it has been classified as a Variant of Uncertain Significance.